The following is an entry in ClinVar:

ClinVar aggregate classification (germline): Conflicting classifications of pathogenicity. Review status: criteria provided, conflicting classifications (1 of 4 stars). 6 submissions from 6 submitters: Uncertain significance (4); Likely benign (2). Last evaluated 2026-07-01.

Conditions:
Inborn genetic diseases. Identifiers: MedGen C0950123, MeSH D030342.
LAMA2-related muscular dystrophy (LAMA2-RD). Also called: Laminin alpha 2-related dystrophy. Identifiers: MedGen C5679788, MONDO:0100228.
Merosin deficient congenital muscular dystrophy (MDC1A). Also called: Congenital merosin-deficient muscular dystrophy 1A; Congenital Muscular Dystrophy Type 1A (MDC1A). Identifiers: Orphanet 258, MedGen C1263858, MONDO:0011925, OMIM 607855.
Muscular dystrophy, limb-girdle, autosomal recessive 23. Identifiers: Orphanet 565837, MedGen C4748327, MONDO:0029136, OMIM 618138.

Allele frequency attached by ClinVar (database versions not stated): ExAC 0.00002; gnomAD exomes 0.00002 and 0.00003; gnomAD 0.00003; TOPMed 0.00006; 1000 Genomes Project 30x 0.00016; 1000 Genomes Project 0.00020.
gnomAD v4.1: 53 of 1,598,738 alleles (0.0033%); highest among the groups gnomAD compares: Non-Finnish European, 0.0039%; no homozygotes.

Submissions (6):

CeGaT Center for Human Genetics Tuebingen
Classification: Likely benign. Last evaluated: 2026-07-01. Review status: criteria provided, single submitter. Criteria: CeGaT Center For Human Genetics Tuebingen Variant Classification Criteria Version 2. Collection method: clinical testing. Allele origin: germline. Affected: yes. Observed: 1 variant allele.
Comment: LAMA2: BP4

Fulgent Genetics
Classification: Uncertain significance for Merosin deficient congenital muscular dystrophy; Muscular dystrophy, limb-girdle, autosomal recessive 23. Last evaluated: 2024-04-04. Review status: criteria provided, single submitter. Criteria: ACMG Guidelines, 2015. Collection method: clinical testing. Allele origin: germline.

Blueprint Genetics
Classification: Likely benign. Last evaluated: 2024-01-10. Review status: criteria provided, single submitter. Criteria: ACMG Guidelines, 2015. Collection method: clinical testing. Allele origin: germline.

Revvity Omics, Revvity
Classification: Uncertain significance. Last evaluated: 2023-01-03. Review status: criteria provided, single submitter. Criteria: ACMG Guidelines, 2015. Collection method: clinical testing. Allele origin: germline.

Labcorp Genetics (formerly Invitae), Labcorp
Classification: Uncertain significance for LAMA2-related muscular dystrophy. Last evaluated: 2022-09-19. Review status: criteria provided, single submitter. Criteria: Invitae Variant Classification Sherloc (09022015). Collection method: clinical testing. Allele origin: germline.
Comment: This sequence change falls in intron 56 of the LAMA2 gene. It does not directly change the encoded amino acid sequence of the LAMA2 protein. It affects a nucleotide within the consensus splice site. This variant is present in population databases (rs549227397, gnomAD 0.004%). This variant has not been reported in the literature in individuals affected with LAMA2-related conditions. ClinVar contains an entry for this variant (Variation ID: 1498054). Variants that disrupt the consensus splice site are a relatively common cause of aberrant splicing (PMID: 17576681, 9536098). Algorithms developed to predict the effect of sequence changes on RNA splicing suggest that this variant is not likely to affect RNA splicing. In summary, the available evidence is currently insufficient to determine the role of this variant in disease. Therefore, it has been classified as a Variant of Uncertain Significance.

Ambry Genetics
Classification: Uncertain significance for Inborn genetic diseases. Last evaluated: 2022-03-21. Review status: criteria provided, single submitter. Criteria: Ambry Variant Classification Scheme 2023. Collection method: clinical testing. Allele origin: germline.
Comment: The c.7899-3C>T intronic alteration consists of a C to T substitution 3 nucleotides before coding exon 57 in the LAMA2 gene. Based on insufficient or conflicting evidence, the clinical significance of this alteration remains unclear.

Literature cited by the submitters: PubMed 17576681 (cited by Labcorp Genetics (formerly Invitae), Labcorp); PubMed 9536098 (cited by Labcorp Genetics (formerly Invitae), Labcorp).

NM_000426.4(LAMA2):c.7899-3C>T

Gene: LAMA2 (laminin subunit alpha 2; plus strand). Cytogenetic location: 6q22.33.
Variant type: single nucleotide variant.
Coding change: c.7899-3C>T on transcript NM_000426.4 (MANE Select); 3 bases into the intron before coding-DNA position 7899, C replaced by T.
Molecular consequence: intron variant.
Genome position (GRCh38, 1-based): chr6:129,491,898, C>T. VCF-style: chr6-129491898-C-T. GRCh37 (hg19) VCF-style: chr6-129813043-C-T.
Other names: c.7887-3C>T (NM_001079823.2); c.7899-3C>T (NM_000426.3).
Identifiers: ClinVar variation 1498054 (VCV001498054.10), dbSNP rs549227397, ClinGen allele CA3994702.